The following is an entry in ClinVar:

NM_024408.4(NOTCH2):c.2099G>T (p.Gly700Val)

Gene: NOTCH2 (notch receptor 2; minus strand). Cytogenetic location: 1p12.
Variant type: single nucleotide variant.
Coding change: c.2099G>T on transcript NM_024408.4 (MANE Select); coding-DNA position 2099, G replaced by T.
Protein change: p.Gly700Val; replaces glycine 700 with valine.
Molecular consequence: missense variant.
Genome position (GRCh38, 1-based): chr1:119,955,160, C>A on the plus strand (G>T on the coding strand, the complement: NOTCH2 is on the minus strand). VCF-style: chr1-119955160-C-A. GRCh37 (hg19) VCF-style: chr1-120497783-C-A.
Other names: c.2099G>T (NM_024408.3); c.2099G>T, p.Gly700Val (NM_001200001.2); short protein forms G700V.
Identifiers: ClinVar variation 2175024 (VCV002175024.5), dbSNP rs908720175, ClinGen allele CA30293232.
Genomic context (GRCh38, chr1:119,955,160, plus strand): 5'-TGTGAGTAGCAGCTGGGGTGATGGGGTCCCTCGGGGCATATACAGCGGAAACCATTCACA[C>A]CGTTGATACATGTTGCACCCTTGCGACAGGGATTGGAGGCACACTCATCAATGTCAATGT-3'
Protein context (NP_077719.2, residues 690-710): PCRKGATCIN[Gly700Val]VNGFRCICPE

ClinVar aggregate classification (germline): Uncertain significance. Review status: criteria provided, multiple submitters, no conflicts (2 of 4 stars). 2 submissions from 2 submitters: Uncertain significance (2). Last evaluated 2025-10-13.

Conditions:
NOTCH2-related disorder. Also called: NOTCH2-related condition.
Hajdu-Cheney syndrome (HJCYS). Also called: SERPENTINE FIBULA-POLYCYSTIC KIDNEY SYNDROME; Acroosteolysis dominant type; ACROOSTEOLYSIS WITH OSTEOPOROSIS AND CHANGES IN SKULL AND MANDIBLE. Identifiers: Orphanet 955, MedGen C0917715, MONDO:0007057, OMIM 102500.

Allele frequency attached by ClinVar (database versions not stated): gnomAD 0.00001; gnomAD exomes 0.00001; TOPMed 0.00001.
gnomAD v4.1: 11 of 1,613,986 alleles (0.00068%); highest among the groups gnomAD compares: Middle Eastern, 0.016%; no homozygotes.

Submissions (2):

Labcorp Genetics (formerly Invitae), Labcorp
Classification: Uncertain significance for Hajdu-Cheney syndrome. Last evaluated: 2025-10-13. Review status: criteria provided, single submitter. Criteria: Invitae Variant Classification Sherloc (09022015). Collection method: clinical testing. Allele origin: germline.
Comment: This sequence change replaces glycine, which is neutral and non-polar, with valine, which is neutral and non-polar, at codon 700 of the NOTCH2 protein (p.Gly700Val). This variant is present in population databases (no rsID available, gnomAD 0.0009%). This variant has not been reported in the literature in individuals affected with NOTCH2-related conditions. ClinVar contains an entry for this variant (Variation ID: 2175024). Invitae Evidence Modeling of protein sequence and biophysical properties (such as structural, functional, and spatial information, amino acid conservation, physicochemical variation, residue mobility, and thermodynamic stability) indicates that this missense variant is not expected to disrupt NOTCH2 protein function with a negative predictive value of 95%. In summary, the available evidence is currently insufficient to determine the role of this variant in disease. Therefore, it has been classified as a Variant of Uncertain Significance.

PreventionGenetics, part of Exact Sciences
Classification: Uncertain significance for NOTCH2-related condition. Last evaluated: 2022-08-30. Review status: criteria provided, single submitter. Criteria: ACMG Guidelines, 2015. Collection method: clinical testing. Allele origin: germline.
Comment: The NOTCH2 c.2099G>T variant is predicted to result in the amino acid substitution p.Gly700Val. To our knowledge, this variant has not been reported in the literature. This variant is reported in 0.00088% of alleles in individuals of European (Non-Finnish) descent in gnomAD. At this time, the clinical significance of this variant is uncertain due to the absence of conclusive functional and genetic evidence.